The following is an entry in ClinVar:

NM_000548.5(TSC2):c.2100G>A (p.Glu700=)

Gene: TSC2 (TSC complex subunit 2; plus strand). Cytogenetic location: 16p13.3.
Variant type: single nucleotide variant.
Coding change: c.2100G>A on transcript NM_000548.5 (MANE Select); coding-DNA position 2100, G replaced by A.
Protein change: p.Glu700=; no amino-acid change (glutamic acid 700 retained).
Molecular consequence: synonymous variant. On other transcripts: non-coding transcript variant (5).
Genome position (GRCh38, 1-based): chr16:2,072,243, G>A. VCF-style: chr16-2072243-G-A. GRCh37 (hg19) VCF-style: chr16-2122244-G-A.
Other names: c.2100G>A, p.Glu700= (NM_001077183.3, NM_001114382.3, NM_001363528.2 and 6 more transcripts); c.1989G>A, p.Glu663= (NM_001318827.2, NM_001406670.1, NM_001406678.1); c.1953G>A, p.Glu651= (NM_001318829.2, NM_001406675.1, NM_001406676.1 and 1 more transcripts); c.1500G>A, p.Glu500= (NM_001318831.2, NM_001406680.1, NM_001406682.1 and 6 more transcripts); c.2133G>A, p.Glu711= (NM_001318832.2); c.2190G>A, p.Glu730= (NM_001406667.1, NM_001406668.1); c.2088G>A, p.Glu696= (NM_001406671.1, NM_001406673.1); c.2043G>A, p.Glu681= (NM_001406677.1); and 3 more.
Identifiers: ClinVar variation 1785911 (VCV001785911.4), dbSNP rs571792874, ClinGen allele CA493042646.
Genomic context (GRCh38, chr16:2,072,243, plus strand): 5'-TTCCGCCTCTGTCTCTAGGGTCCAGAAGGCCCTGTCCTGACGCCTCCTCTCCTCGCAGGA[G>A]TCTGACTGGAAGGTGCTGAAGCTGGTTCTGGGCAGGCTGCCTGAGTCCCTGCGCTATAAA-3'
Protein context (NP_000539.2, residues 690-710): FRVLLQCLKQ[Glu700=]SDWKVLKLVL

ClinVar aggregate classification (germline): Benign/Likely benign. Review status: criteria provided, multiple submitters, no conflicts (2 of 4 stars). 3 submissions from 3 submitters: Benign (1); Likely benign (2). Last evaluated 2025-06-23.

Conditions:
Hereditary cancer-predisposing syndrome. Also called: Tumor predisposition; Neoplastic Syndromes, Hereditary; Hereditary Cancer Syndrome; Hereditary neoplastic syndrome. Identifiers: Orphanet 140162, MedGen C0027672, MeSH D009386, MONDO:0015356.
Tuberous sclerosis syndrome (TSC). Also called: Tuberous Sclerosis Complex; Tuberous sclerosis. Identifiers: Orphanet 805, MedGen C0041341, MONDO:0001734.
Tuberous sclerosis 2 (TSC2). Identifiers: Orphanet 805, MedGen C1860707, MONDO:0013199, OMIM 613254.

gnomAD v4.1: 2 of 1,614,072 alleles (0.00012%); highest among the groups gnomAD compares: Middle Eastern, 0.016%; no homozygotes.

Submissions (3):

Color Diagnostics, LLC DBA Color Health
Classification: Likely benign for Tuberous sclerosis syndrome. Last evaluated: 2025-06-23. Review status: criteria provided, single submitter. Criteria: ACMG Guidelines, 2015. Collection method: clinical testing. Allele origin: germline.

Myriad Genetics, Inc.
Classification: Benign for Tuberous sclerosis 2. Last evaluated: 2025-05-19. Review status: criteria provided, single submitter. Criteria: Myriad Autosomal Dominant, Autosomal Recessive and X-Linked Classification Criteria (2023). Collection method: clinical testing. Allele origin: unknown.
Comment: This variant is considered benign. This variant is a silent/synonymous amino acid change and it is not expected to impact splicing.

Ambry Genetics
Classification: Likely benign for Hereditary cancer-predisposing syndrome. Last evaluated: 2019-11-22. Review status: criteria provided, single submitter. Criteria: Ambry Variant Classification Scheme 2023. Collection method: clinical testing. Allele origin: germline.